The following is an entry in ClinVar:

ClinVar aggregate classification (germline): Conflicting classifications of pathogenicity. Review status: criteria provided, conflicting classifications (1 of 4 stars). 5 submissions from 5 submitters: Pathogenic (1); Likely pathogenic (1); Uncertain significance (2). 1 of the submissions does not count toward it. Last evaluated 2025-08-25.

Conditions:
Autosomal recessive congenital ichthyosis 2 (ARCI2). Identifiers: Orphanet 281122, Orphanet 79394, MedGen C3888093, MONDO:0009439, OMIM 242100.

Allele frequency attached by ClinVar (database versions not stated): gnomAD exomes below 0.00001; TOPMed 0.00001.
gnomAD v4.1: 2 of 1,614,174 alleles (0.00012%); highest among the groups gnomAD compares: Non-Finnish European, 0.000085%; no homozygotes.

Submissions (5):

Dasa
Classification: Likely pathogenic. Last evaluated: 2025-08-25. Review status: criteria provided, single submitter. Criteria: DASA Assertion Criteria. Collection method: clinical testing. Allele origin: germline.
Comment: NM_001139.3(ALOX12B):c.1609G>A (p.Val537Met) is a missense variant that results in the substitution of valine with methionine. The affected residue or protein region has prior evidence supporting clinical relevance. This variant has been recurrently observed in individuals with ALOX12B-related disorders (PMID: 33435499; PMID: 24344921; PMID: 38581117). Also, this variant is rare in population databases. Based on the currently available evidence, this variant is classified as likely pathogenic.

Laboratorio de Genetica e Diagnostico Molecular, Hospital Israelita Albert Einstein
Classification: Uncertain significance for Autosomal recessive congenital ichthyosis 2. Last evaluated: 2023-01-09. Review status: criteria provided, single submitter. Criteria: ACMG Guidelines, 2015. Collection method: clinical testing. Allele origin: germline. Affected: yes. Observed: 1 variant allele.
Comment: ACMG classification criteria: PM2 moderated, PM3 supporting

Labcorp Genetics (formerly Invitae), Labcorp
Classification: Pathogenic. Last evaluated: 2022-08-28. Review status: criteria provided, single submitter. Criteria: Invitae Variant Classification Sherloc (09022015). Collection method: clinical testing. Allele origin: germline.
Comment: Advanced modeling of protein sequence and biophysical properties (such as structural, functional, and spatial information, amino acid conservation, physicochemical variation, residue mobility, and thermodynamic stability) performed at Invitae indicates that this missense variant is expected to disrupt ALOX12B protein function. ClinVar contains an entry for this variant (Variation ID: 995746). This missense change has been observed in individual(s) with congenital ichthyosis (PMID: 33435499; Invitae). In at least one individual the data is consistent with being in trans (on the opposite chromosome) from a pathogenic variant. This variant is not present in population databases (gnomAD no frequency). This sequence change replaces valine, which is neutral and non-polar, with methionine, which is neutral and non-polar, at codon 537 of the ALOX12B protein (p.Val537Met). For these reasons, this variant has been classified as Pathogenic.

GeneDx
Classification: Uncertain significance. Last evaluated: 2021-03-26. Review status: criteria provided, single submitter. Criteria: GeneDx Variant Classification Process June 2021. Collection method: clinical testing. Allele origin: germline. Affected: yes.
Comment: Not observed in large population cohorts (Lek et al., 2016); In silico analysis supports that this missense variant does not alter protein structure/function; This variant is associated with the following publications: (PMID: 33435499)

Institute for Human Genetics, University Medical Center Freiburg
Classification: Pathogenic for Autosomal recessive congenital ichthyosis 2. Last evaluated: 2021-01-07. Review status: no assertion criteria provided. Collection method: clinical testing. Allele origin: unknown. Affected: yes. Not counted in ClinVar's aggregate classification.

Literature cited by the submitters: PubMed 33435499 (cited by Dasa and Labcorp Genetics (formerly Invitae), Labcorp); PubMed 24344921 (cited by Dasa); PubMed 38581117 (cited by Dasa).

NM_001139.3(ALOX12B):c.1609G>A (p.Val537Met)

Gene: ALOX12B (arachidonate 12-lipoxygenase, 12R type; minus strand). Cytogenetic location: 17p13.1.
Variant type: single nucleotide variant.
Coding change: c.1609G>A on transcript NM_001139.3 (MANE Select); coding-DNA position 1609, G replaced by A.
Protein change: p.Val537Met; replaces valine 537 with methionine.
Molecular consequence: missense variant.
Genome position (GRCh38, 1-based): chr17:8,075,640, C>T on the plus strand (G>A on the coding strand, the complement: ALOX12B is on the minus strand). VCF-style: chr17-8075640-C-T. GRCh37 (hg19) VCF-style: chr17-7978958-C-T.
Other names: short protein forms V537M.
Identifiers: ClinVar variation 995746 (VCV000995746.10), dbSNP rs962267153, ClinGen allele CA287543316.